The following is an entry in ClinVar:

ClinVar aggregate classification (germline): Benign (1 of 4 stars; one submission).

Conditions:
Diaphyseal medullary stenosis-bone malignancy syndrome. Also called: MYOPATHY, LIMB-GIRDLE, WITH BONE FRAGILITY; BONE DYSPLASIA WITH MALIGNANT FIBROUS HISTIOCYTOMA; BONE DYSPLASIA WITH MEDULLARY FIBROSARCOMA. Identifiers: Orphanet 85182, MedGen C1862177, MONDO:0007205, OMIM 112250.

Allele frequency attached by ClinVar (database versions not stated): gnomAD exomes 0.00184; 1000 Genomes Project 0.01877; gnomAD 0.01910 and 0.02054; 1000 Genomes Project 30x 0.01999; TOPMed 0.02119.
gnomAD v4.1: 4,459 of 985,388 alleles (0.45%); highest among the groups gnomAD compares: African/African-American, 6.8%; 130 homozygotes.

Submission:

Illumina Laboratory Services, Illumina
Classification: Benign for Diaphyseal medullary stenosis-bone malignancy syndrome. Last evaluated: 2018-01-13. Review status: criteria provided, single submitter. Criteria: ICSL Variant Classification Criteria 13 December 2019. Collection method: clinical testing. Allele origin: germline.
Comment: This variant was observed in the ICSL laboratory as part of a predisposition screen in an ostensibly healthy population. It had not been previously curated by ICSL or reported in the Human Gene Mutation Database (HGMD: prior to June 1st, 2018), and was therefore a candidate for classification through an automated scoring system. Utilizing variant allele frequency, disease prevalence and penetrance estimates, and inheritance mode, an automated score was calculated to assess if this variant is too frequent to cause the disease. Based on the score and internal cut-off values, a variant classified as benign is not then subjected to further curation. The score for this variant resulted in a classification of benign for this disease.

NM_002451.4(MTAP):c.*2255A>G

Gene: MTAP (methylthioadenosine phosphorylase; plus strand). Cytogenetic location: 9p21.3.
Variant type: single nucleotide variant.
Coding change: c.*2255A>G on transcript NM_002451.4 (MANE Select); 2255 bases downstream of the stop codon, A replaced by G.
Molecular consequence: 3 prime UTR variant.
Genome position (GRCh38, 1-based): chr9:21,864,269, A>G. VCF-style: chr9-21864269-A-G. GRCh37 (hg19) VCF-style: chr9-21864268-A-G.
Identifiers: ClinVar variation 366291 (VCV000366291.5), dbSNP rs79020697, ClinGen allele CA10633539.